The following is an entry in ClinVar:

NM_000180.4(GUCY2D):c.1058C>T (p.Ala353Val)

Gene: GUCY2D (guanylate cyclase 2D, retinal; plus strand). Cytogenetic location: 17p13.1.
Variant type: single nucleotide variant.
Coding change: c.1058C>T on transcript NM_000180.4 (MANE Select); coding-DNA position 1058, C replaced by T.
Protein change: p.Ala353Val; replaces alanine 353 with valine.
Molecular consequence: missense variant.
Genome position (GRCh38, 1-based): chr17:8,006,394, C>T. VCF-style: chr17-8006394-C-T. GRCh37 (hg19) VCF-style: chr17-7909712-C-T.
Other names: short protein forms A353V.
Identifiers: ClinVar variation 4886020 (VCV004886020.2).

ClinVar aggregate classification (germline): Uncertain significance (1 of 4 stars; one submission).

Submission:

Dasa
Classification: Uncertain significance. Last evaluated: 2024-10-11. Review status: criteria provided, single submitter. Criteria: DASA Assertion Criteria. Collection method: clinical testing. Allele origin: germline.
Comment: NM_000180.4(GUCY2D):c.1058C>T (p.Ala353Val) is a missense variant that results in the substitution of alanine with valine. This variant is rare in population databases. Computational prediction algorithms are consistent with a benign effect. The currently available literature and clinical evidence are not sufficient to establish a definitive association between this variant and the reported condition. Therefore, this variant is classified as a variant of uncertain significance.